The following is an entry in ClinVar:

NM_000138.5(FBN1):c.6880G>A (p.Glu2294Lys)

Gene: FBN1 (fibrillin 1; minus strand). Cytogenetic location: 15q21.1.
Variant type: single nucleotide variant.
Coding change: c.6880G>A on transcript NM_000138.5 (MANE Select); coding-DNA position 6880, G replaced by A.
Protein change: p.Glu2294Lys; replaces glutamic acid 2294 with lysine.
Molecular consequence: missense variant.
Genome position (GRCh38, 1-based): chr15:48,428,463, C>T on the plus strand (G>A on the coding strand, the complement: FBN1 is on the minus strand). VCF-style: chr15-48428463-C-T. GRCh37 (hg19) VCF-style: chr15-48720660-C-T.
Other names: c.6880G>A, p.Glu2294Lys (NM_001406716.1); short protein forms E2294K.
Identifiers: ClinVar variation 2922623 (VCV002922623.5), dbSNP rs2505415458, ClinGen allele CA392330930.
Genomic context (GRCh38, chr15:48,428,463, plus strand): 5'-AGCTCCCACGGGTGTTGAGGCAGCGCCCATTCTCACAGATCCCTGGCTTCGTCTGACATT[C>T]ATTCTCATCTGTTTGATTTTATTGAAGGACCAAAAACAAGAAGAGTCATCTGACCATTTT-3'
Protein context (NP_000129.3, residues 2284-2304): PDGEGCVDEN[Glu2294Lys]CQTKPGICEN

ClinVar aggregate classification (germline): Uncertain significance. Review status: criteria provided, multiple submitters, no conflicts (2 of 4 stars). 3 submissions from 3 submitters: Uncertain significance (3). Last evaluated 2026-03-17.

Conditions:
Thoracic aortic aneurysm. Also called: Aneurysm of thoracic aorta. Identifiers: MedGen C0162872, MONDO:0005396, HP:0012727.
Marfan syndrome (MFS). Also called: MARFAN SYNDROME, TYPE I; Marfan syndrome type 1; Marfan's syndrome; Marfan syndrome, classic; FBN1-Related Marfan Syndrome. Identifiers: Orphanet 284963, Orphanet 558, MedGen C0024796, MONDO:0007947, OMIM 154700.
Familial thoracic aortic aneurysm and aortic dissection (TAAD). Also called: Thoracic aortic aneurysms and dissections. Identifiers: Orphanet 91387, MedGen C4707243, MONDO:0019625.

Submissions (3):

Clinical Genetics Laboratory, Skane University Hospital Lund
Classification: Uncertain significance for Thoracic aortic aneurysm. Last evaluated: 2026-03-17. Review status: criteria provided, single submitter. Criteria: ACMG Guidelines, 2015. Collection method: clinical testing. Allele origin: germline. Affected: yes.
Comment: PM2, PP3

Blueprint Genetics
Classification: Uncertain significance. Last evaluated: 2024-06-12. Review status: criteria provided, single submitter. Criteria: ACMG Guidelines, 2015. Collection method: clinical testing. Allele origin: germline.

Labcorp Genetics (formerly Invitae), Labcorp
Classification: Uncertain significance for Marfan syndrome; Familial thoracic aortic aneurysm and aortic dissection. Last evaluated: 2024-03-26. Review status: criteria provided, single submitter. Criteria: Invitae Variant Classification Sherloc (09022015). Collection method: clinical testing. Allele origin: germline.
Comment: This sequence change replaces glutamic acid, which is acidic and polar, with lysine, which is basic and polar, at codon 2294 of the FBN1 protein (p.Glu2294Lys). This variant is not present in population databases (gnomAD no frequency). This variant has not been reported in the literature in individuals affected with FBN1-related conditions. Advanced modeling of protein sequence and biophysical properties (such as structural, functional, and spatial information, amino acid conservation, physicochemical variation, residue mobility, and thermodynamic stability) performed at Invitae indicates that this missense variant is expected to disrupt FBN1 protein function with a positive predictive value of 95%. In summary, the available evidence is currently insufficient to determine the role of this variant in disease. Therefore, it has been classified as a Variant of Uncertain Significance.